The following is an entry in ClinVar:

NM_000059.4(BRCA2):c.9707A>G (p.Lys3236Arg)

Gene: BRCA2 (BRCA2 DNA repair associated; plus strand). Cytogenetic location: 13q13.1.
Variant type: single nucleotide variant.
Coding change: c.9707A>G on transcript NM_000059.4 (MANE Select); coding-DNA position 9707, A replaced by G.
Protein change: p.Lys3236Arg; replaces lysine 3236 with arginine.
Molecular consequence: missense variant.
Genome position (GRCh38, 1-based): chr13:32,398,220, A>G. VCF-style: chr13-32398220-A-G. GRCh37 (hg19) VCF-style: chr13-32972357-A-G.
Other names: short protein forms K3236R.
Identifiers: ClinVar variation 1045129 (VCV001045129.11), dbSNP rs980577419, ClinGen allele CA247508918.

ClinVar aggregate classification (germline): Uncertain significance. Review status: criteria provided, multiple submitters, no conflicts (2 of 4 stars). 4 submissions from 4 submitters: Uncertain significance (3). 1 of the submissions does not count toward it. Last evaluated 2022-09-21.

Conditions:
Hereditary cancer-predisposing syndrome. Also called: Hereditary Cancer Syndrome; Tumor predisposition; Hereditary neoplastic syndrome; Neoplastic Syndromes, Hereditary. Identifiers: Orphanet 140162, MedGen C0027672, MeSH D009386, MONDO:0015356.
Hereditary breast ovarian cancer syndrome. Also called: Hereditary breast and/or ovarian cancer syndrome; Hereditary breast and ovarian cancer syndrome; Hereditary breast and ovarian cancer syndrome (HBOC); Breast and ovarian cancer; Hereditary breast and ovarian cancer; BRCA1- and BRCA2-Associated Hereditary Breast and Ovarian Cancer. Identifiers: Orphanet 145, MedGen C0677776, MeSH D061325, MONDO:0003582. Disease mechanism: loss of function.
Malignant tumor of breast. Also called: Cancer breast; Malignant breast neoplasm. Identifiers: MedGen C0006142, MONDO:0007254. Disease mechanism: loss of function.

Allele frequency attached by ClinVar (database versions not stated): gnomAD exomes below 0.00001.
gnomAD v4.1: 2 of 1,613,366 alleles (0.00012%); highest among the groups gnomAD compares: Admixed American, 0.0017%; no homozygotes.

Submissions (4):

Ambry Genetics
Classification: Uncertain significance for Hereditary cancer-predisposing syndrome. Last evaluated: 2022-09-21. Review status: criteria provided, single submitter. Criteria: Ambry Variant Classification Scheme 2023. Collection method: clinical testing. Allele origin: germline.
Comment: The p.K3236R variant (also known as c.9707A>G), located in coding exon 26 of the BRCA2 gene, results from an A to G substitution at nucleotide position 9707. The lysine at codon 3236 is replaced by arginine, an amino acid with highly similar properties. This amino acid position is not well conserved in available vertebrate species. In addition, this alteration is predicted to be tolerated by in silico analysis. Since supporting evidence is limited at this time, the clinical significance of this alteration remains unclear.

Labcorp Genetics (formerly Invitae), Labcorp
Classification: Uncertain significance for Hereditary breast ovarian cancer syndrome. Last evaluated: 2021-08-24. Review status: criteria provided, single submitter. Criteria: Invitae Variant Classification Sherloc (09022015). Collection method: clinical testing. Allele origin: germline.
Comment: This sequence change replaces lysine with arginine at codon 3236 of the BRCA2 protein (p.Lys3236Arg). The lysine residue is weakly conserved and there is a small physicochemical difference between lysine and arginine. This variant is not present in population databases (ExAC no frequency). This variant has not been reported in the literature in individuals affected with BRCA2-related conditions. Algorithms developed to predict the effect of missense changes on protein structure and function are either unavailable or do not agree on the potential impact of this missense change (SIFT: "Tolerated"; PolyPhen-2: "Possibly Damaging"; Align-GVGD: "Class C0"). Algorithms developed to predict the effect of sequence changes on RNA splicing suggest that this variant may create or strengthen a splice site. In summary, the available evidence is currently insufficient to determine the role of this variant in disease. Therefore, it has been classified as a Variant of Uncertain Significance.

Quest Diagnostics Nichols Institute San Juan Capistrano
Classification: Uncertain significance. Last evaluated: 2021-04-23. Review status: criteria provided, single submitter. Criteria: Quest Diagnostics criteria. Collection method: clinical testing. Allele origin: unknown.

Department of Pathology and Laboratory Medicine, Sinai Health System
Classification: Uncertain significance for Malignant tumor of breast. Review status: no assertion criteria provided. Collection method: clinical testing. Allele origin: unknown. Affected: yes. Observed: 1 variant allele. Study: The Canadian Open Genetics Repository (COGR). Not counted in ClinVar's aggregate classification.
Comment: The BRCA2 p.Lys3236Arg variant was not identified in the literature, nor was it identified in dbSNP, the 1000 Genomes Project, the NHLBI Exome Sequencing Project, the Exome Aggregation Consortium, the genome Aggregation Database (beta), GeneInsight COGR, ClinVar, Clinvitae, COSMIC, MutDB, BRCA Share, BIC, ARUP Laboratories BRCA Mutations Database, the Fanconi Anemia Mutation Database (LOVD) or LOVD-IARC. The p.Lys3236 residue is not conserved in mammals and four out of five computational analyses (PolyPhen-2, SIFT, AlignGVGD, BLOSUM, MutationTaster) do not suggest a high likelihood of impact to the protein; however, this information is not predictive enough to rule out pathogenicity. The variant occurs outside of the splicing consensus sequence and 3 of 5 in silico or computational prediction software programs (SpliceSiteFinder, MaxEntScan, NNSPLICE, GeneSplicer, HumanSpliceFinder) predict a greater than 10% difference in splicing. However, this information is not predictive enough to assume pathogenicity. In summary, based on the above information, the clinical significance of this variant cannot be determined with certainty at this time. This variant is classified as a variant of uncertain significance.